The following is an entry in ClinVar:

NM_001042432.2(CLN3):c.534-1G>C

Gene: CLN3 (CLN3 lysosomal/endosomal transmembrane protein, battenin; minus strand). Cytogenetic location: 16p12.1.
Variant type: single nucleotide variant.
Coding change: c.534-1G>C on transcript NM_001042432.2 (MANE Select); the canonical splice acceptor site of the intron before coding-DNA position 534, G replaced by C.
Molecular consequence: splice acceptor variant.
Genome position (GRCh38, 1-based): chr16:28,486,491, C>G on the plus strand (G>C on the coding strand, the complement: CLN3 is on the minus strand). VCF-style: chr16-28486491-C-G. GRCh37 (hg19) VCF-style: chr16-28497812-C-G.
Other names: c.300-1G>C (NM_001286109.2); c.462-1G>C (NM_001286104.2); c.234-1G>C (NM_001286105.2); c.372-1G>C (NM_001286110.2); c.534-1G>C (NM_000086.2).
Identifiers: ClinVar variation 2413490 (VCV002413490.8), dbSNP rs2506483378, ClinGen allele CA395345583.
Genomic context (GRCh38, chr16:28,486,491, plus strand): 5'-GACAGGGCCCCCAGCAGCCCAGCTCCCCCAGTCCCTGAGGACCACCAGGAGATCACGGCC[C>G]TGGGAAGGAGAACACAGGAACATTCAGGAGGACCTAGGCTGACCATGGGACAGCCTCTCC-3'

ClinVar aggregate classification (germline): Likely pathogenic. Review status: criteria provided, multiple submitters, no conflicts (2 of 4 stars). 2 submissions from 2 submitters: Likely pathogenic (2). Last evaluated 2024-04-05.

Conditions:
Neuronal ceroid lipofuscinosis. Also called: Neuronal Ceroid Lipofuscinoses. Identifiers: Orphanet 216, Orphanet 79263, MedGen C0027877, MONDO:0016295. Disease mechanism: loss of function.
Neuronal ceroid lipofuscinosis 3 (CLN3). Identifiers: Orphanet 228346, MedGen C0751383, MONDO:0008767, OMIM 204200.

Submissions (2):

Fulgent Genetics
Classification: Likely pathogenic for Neuronal ceroid lipofuscinosis 3. Last evaluated: 2024-04-05. Review status: criteria provided, single submitter. Criteria: ACMG Guidelines, 2015. Collection method: clinical testing. Allele origin: germline.

Labcorp Genetics (formerly Invitae), Labcorp
Classification: Likely pathogenic for Neuronal ceroid lipofuscinosis. Last evaluated: 2023-02-25. Review status: criteria provided, single submitter. Criteria: Invitae Variant Classification Sherloc (09022015). Collection method: clinical testing. Allele origin: germline.
Comment: In summary, the currently available evidence indicates that the variant is pathogenic, but additional data are needed to prove that conclusively. Therefore, this variant has been classified as Likely Pathogenic. Algorithms developed to predict the effect of sequence changes on RNA splicing suggest that this variant may disrupt the consensus splice site. ClinVar contains an entry for this variant (Variation ID: 2413490). This variant has not been reported in the literature in individuals affected with CLN3-related conditions. This variant is not present in population databases (gnomAD no frequency). This sequence change affects an acceptor splice site in intron 8 of the CLN3 gene. It is expected to disrupt RNA splicing. Variants that disrupt the donor or acceptor splice site typically lead to a loss of protein function (PMID: 16199547), and loss-of-function variants in CLN3 are known to be pathogenic (PMID: 9311735, 28542676).

Literature cited by the submitters: PubMed 16199547 (cited by Labcorp Genetics (formerly Invitae), Labcorp); PubMed 9311735 (cited by Labcorp Genetics (formerly Invitae), Labcorp); PubMed 28542676 (cited by Labcorp Genetics (formerly Invitae), Labcorp).